The following is an entry in ClinVar:

ClinVar aggregate classification (germline): Uncertain significance (1 of 4 stars; one submission).

Conditions:
Hypermethioninemia with deficiency of S-adenosylhomocysteine hydrolase. Identifiers: Orphanet 88618, MedGen C3151058, MONDO:0013404, OMIM 613752.

Allele frequency attached by ClinVar (database versions not stated): ExAC 0.00001; gnomAD 0.00001; TOPMed 0.00002; ESP Exome Variant Server 0.00008.
gnomAD v4.1: 2 of 1,614,042 alleles (0.00012%); highest among the groups gnomAD compares: African/African-American, 0.0027%; no homozygotes.

Submission:

Labcorp Genetics (formerly Invitae), Labcorp
Classification: Uncertain significance for Hypermethioninemia with deficiency of S-adenosylhomocysteine hydrolase. Last evaluated: 2022-05-04. Review status: criteria provided, single submitter. Criteria: Invitae Variant Classification Sherloc (09022015). Collection method: clinical testing. Allele origin: germline.
Comment: In summary, the available evidence is currently insufficient to determine the role of this variant in disease. Therefore, it has been classified as a Variant of Uncertain Significance. Algorithms developed to predict the effect of missense changes on protein structure and function are either unavailable or do not agree on the potential impact of this missense change (SIFT: "Not Available"; PolyPhen-2: "Benign"; Align-GVGD: "Not Available"). This variant has not been reported in the literature in individuals affected with AHCY-related conditions. This variant is present in population databases (rs376470967, gnomAD 0.007%). This sequence change replaces threonine, which is neutral and polar, with alanine, which is neutral and non-polar, at codon 159 of the AHCY protein (p.Thr159Ala).

NM_000687.4(AHCY):c.475A>G (p.Thr159Ala)

Gene: AHCY (adenosylhomocysteinase; minus strand). Cytogenetic location: 20q11.22.
Variant type: single nucleotide variant.
Coding change: c.475A>G on transcript NM_000687.4 (MANE Select); coding-DNA position 475, A replaced by G.
Protein change: p.Thr159Ala; replaces threonine 159 with alanine.
Molecular consequence: missense variant.
Genome position (GRCh38, 1-based): chr20:34,291,502, T>C on the plus strand (A>G on the coding strand, the complement: AHCY is on the minus strand). VCF-style: chr20-34291502-T-C. GRCh37 (hg19) VCF-style: chr20-32879308-T-C.
Other names: c.391A>G, p.Thr131Ala (NM_001161766.2, NM_001322084.2, NM_001322085.2); c.481A>G, p.Thr161Ala (NM_001322086.2); c.475A>G, p.Thr159Ala (NM_001362750.2); short protein forms T131A, T161A, T159A.
Identifiers: ClinVar variation 1944678 (VCV001944678.5), dbSNP rs376470967, ClinGen allele CA9820982.